The following is an entry in ClinVar:

NM_001042492.3(NF1):c.3833del (p.Asn1278fs)

Gene: NF1 (neurofibromin 1; plus strand). Cytogenetic location: 17q11.2.
Variant type: Deletion.
Coding change: c.3833del on transcript NM_001042492.3 (MANE Select); coding-DNA position 3833, one base deleted (A; older notation c.3833delA).
Protein change: p.Asn1278fs; shifts the reading frame from asparagine 1278.
Molecular consequence: frameshift variant.
Genome position (GRCh38, 1-based): chr17:31,235,735, A deleted; the last of 2 consecutive A bases (chr17:31,235,734-31,235,735); deleting either gives the same sequence. VCF-style (leftmost placement, unchanged base first): chr17-31235733-CA-C. GRCh37 (hg19) VCF-style: chr17-29562751-CA-C.
Other names: c.3833delA, p.Asn1278Thrfs (NM_000267.4); short protein forms N1278fs.
Identifiers: ClinVar variation 2003724 (VCV002003724.4), dbSNP rs2508260190, ClinGen allele CA2580093099.

ClinVar aggregate classification (germline): Pathogenic (1 of 4 stars; one submission).

Conditions:
Neurofibromatosis, type 1 (NF1). Also called: Neurofibromatosis, type I; Peripheral type neurofibromatosis; NEUROFIBROMATOSIS, TYPE I, SOMATIC; VON RECKLINGHAUSEN DISEASE. Identifiers: Orphanet 636, MedGen C0027831, MONDO:0018975, OMIM 162200. Disease mechanism: loss of function.

Submission:

Labcorp Genetics (formerly Invitae), Labcorp
Classification: Pathogenic for Neurofibromatosis, type 1. Last evaluated: 2024-01-30. Review status: criteria provided, single submitter. Criteria: Invitae Variant Classification Sherloc (09022015). Collection method: clinical testing. Allele origin: germline.
Comment: This sequence change creates a premature translational stop signal (p.Asn1278Thrfs*7) in the NF1 gene. It is expected to result in an absent or disrupted protein product. Loss-of-function variants in NF1 are known to be pathogenic (PMID: 10712197, 23913538). This variant is not present in population databases (gnomAD no frequency). This variant has not been reported in the literature in individuals affected with NF1-related conditions. ClinVar contains an entry for this variant (Variation ID: 2003724). For these reasons, this variant has been classified as Pathogenic.

Literature cited by the submitters: PubMed 10712197; PubMed 23913538.